The following is an entry in ClinVar:

ClinVar aggregate classification (germline): Pathogenic. Review status: reviewed by expert panel (3 of 4 stars). 3 submissions from 3 submitters: Pathogenic (1). 2 of the submissions do not count toward it. Last evaluated 2016-09-08.

Conditions:
Hereditary cancer-predisposing syndrome. Also called: Tumor predisposition; Hereditary neoplastic syndrome; Neoplastic Syndromes, Hereditary; Hereditary Cancer Syndrome. Identifiers: Orphanet 140162, MedGen C0027672, MeSH D009386, MONDO:0015356.
Hereditary breast ovarian cancer syndrome. Also called: Hereditary breast and ovarian cancer; BRCA1- and BRCA2-Associated Hereditary Breast and Ovarian Cancer; Hereditary breast and/or ovarian cancer syndrome; Hereditary breast and ovarian cancer syndrome; Hereditary breast and ovarian cancer syndrome (HBOC); Breast and ovarian cancer. Identifiers: Orphanet 145, MedGen C0677776, MeSH D061325, MONDO:0003582. Disease mechanism: loss of function.
Breast-ovarian cancer, familial, susceptibility to, 2 (BROVCA2). Also called: BRCA2 Hereditary Breast and Ovarian Cancer. Identifiers: Orphanet 145, MedGen C2675520, MONDO:0012933, OMIM 612555. Disease mechanism: loss of function.

Submissions (3):

Evidence-based Network for the Interpretation of Germline Mutant Alleles (ENIGMA)
Classification: Pathogenic for Breast-ovarian cancer, familial, susceptibility to, 2. Last evaluated: 2016-09-08. Review status: reviewed by expert panel. Criteria: ENIGMA BRCA1/2 Classification Criteria (2015). Collection method: curation. Allele origin: germline.
Comment: Variant allele predicted to encode a truncated non-functional protein.

Labcorp Genetics (formerly Invitae), Labcorp
Classification: Pathogenic for Hereditary breast ovarian cancer syndrome. Last evaluated: 2024-10-01. Review status: criteria provided, single submitter. Criteria: Invitae Variant Classification Sherloc (09022015). Collection method: clinical testing. Allele origin: germline. Not counted in ClinVar's aggregate classification.
Comment: This sequence change creates a premature translational stop signal (p.Glu49Asnfs*31) in the BRCA2 gene. It is expected to result in an absent or disrupted protein product. Loss-of-function variants in BRCA2 are known to be pathogenic (PMID: 20104584). This variant is not present in population databases (gnomAD no frequency). This variant has not been reported in the literature in individuals affected with BRCA2-related conditions. ClinVar contains an entry for this variant (Variation ID: 220237). Algorithms developed to predict the effect of sequence changes on RNA splicing suggest that this variant may disrupt the consensus splice site. For these reasons, this variant has been classified as Pathogenic.

Ambry Genetics
Classification: Pathogenic for Hereditary cancer-predisposing syndrome. Last evaluated: 2015-04-03. Review status: criteria provided, single submitter. Criteria: Ambry Variant Classification Scheme 2023. Collection method: clinical testing. Allele origin: germline. Not counted in ClinVar's aggregate classification.
Comment: The c.144delA (also known as 372delA) pathogenic mutation, located in coding exon 2 of the BRCA2 gene, results from a deletion of one nucleotide at nucleotide position 144, causing a translational frameshift with a predicted alternate stop codon. Since frameshifts are typically deleterious in nature, this alteration is interpreted as a disease-causing mutation (ACMG Recommendations for Standards for Interpretation and Reporting of Sequence Variations. Revision 2007. Genet Med. 2008;10:294).

Literature cited by the submitters: PubMed 20104584 (cited by Labcorp Genetics (formerly Invitae), Labcorp).

NM_000059.4(BRCA2):c.144del (p.Glu49fs)

Gene: BRCA2 (BRCA2 DNA repair associated; plus strand). Cytogenetic location: 13q13.1.
Variant type: Deletion.
Coding change: c.144del on transcript NM_000059.4 (MANE Select); coding-DNA position 144, one base deleted (A; older notation c.144delA).
Protein change: p.Glu49fs; shifts the reading frame from glutamic acid 49.
Molecular consequence: frameshift variant.
Genome position (GRCh38, 1-based): chr13:32,319,153, A deleted; the last of 2 consecutive A bases (chr13:32,319,152-32,319,153); deleting either gives the same sequence. VCF-style (leftmost placement, unchanged base first): chr13-32319151-GA-G. GRCh37 (hg19) VCF-style: chr13-32893288-GA-G.
Other names: c.144delA (NM_000059.3); short protein forms E49fs.
Identifiers: ClinVar variation 220237 (VCV000220237.15), dbSNP rs864622434, ClinGen allele CA350208.